The following is an entry in ClinVar:

ClinVar aggregate classification (germline): Uncertain significance (1 of 4 stars; one submission).

Conditions:
Hereditary cancer-predisposing syndrome. Also called: Tumor predisposition; Neoplastic Syndromes, Hereditary; Hereditary neoplastic syndrome; Hereditary Cancer Syndrome. Identifiers: Orphanet 140162, MedGen C0027672, MeSH D009386, MONDO:0015356.

Submission:

Ambry Genetics
Classification: Uncertain significance for Hereditary cancer-predisposing syndrome. Last evaluated: 2025-08-27. Review status: criteria provided, single submitter. Criteria: Ambry Variant Classification Scheme 2023. Collection method: clinical testing. Allele origin: germline.
Comment: The p.F533Y variant (also known as c.1598T>A), located in coding exon 16 of the MUTYH gene, results from a T to A substitution at nucleotide position 1598. The phenylalanine at codon 533 is replaced by tyrosine, an amino acid with highly similar properties. This amino acid position is conserved. In addition, this alteration is predicted to be tolerated by in silico analysis. Based on the available evidence, the clinical significance of this variant remains unclear.

NM_001048174.2(MUTYH):c.1514T>A (p.Phe505Tyr)

Gene: MUTYH (mutY DNA glycosylase; minus strand). Cytogenetic location: 1p34.1.
Variant type: single nucleotide variant.
Coding change: c.1514T>A on transcript NM_001048174.2 (MANE Select); coding-DNA position 1514, T replaced by A.
Protein change: p.Phe505Tyr; replaces phenylalanine 505 with tyrosine.
Molecular consequence: missense variant. On other transcripts: non-coding transcript variant (7).
Genome position (GRCh38, 1-based): chr1:45,329,358, A>T on the plus strand (T>A on the coding strand, the complement: MUTYH is on the minus strand). VCF-style: chr1-45329358-A-T. GRCh37 (hg19) VCF-style: chr1-45795030-A-T.
Other names: c.1514T>A, p.Phe505Tyr (NM_001407089.1, NM_001407081.1, NM_001407088.1 and 6 more transcripts); c.1238T>A, p.Phe413Tyr (NM_001407091.1, NM_001293192.2, NM_001293196.2); c.1589T>A, p.Phe530Tyr (NM_012222.3); c.1547T>A, p.Phe516Tyr (NM_001407077.1, NM_001293191.2, NM_001407069.1); c.1517T>A, p.Phe506Tyr (NM_001407078.1, NM_001407086.1, NM_001407071.1 and 1 more transcripts); c.1475T>A, p.Phe492Tyr (NM_001407079.1); c.1472T>A, p.Phe491Tyr (NM_001407080.1); c.1169T>A, p.Phe390Tyr (NM_001407082.1, NM_001350650.2, NM_001350651.2); and 5 more; short protein forms F413Y, F477Y, F492Y, F506Y, F519Y, F520Y, F505Y, F516Y.
Identifiers: ClinVar variation 4113421 (VCV004113421.1).